The following is an entry in ClinVar:

NM_001035.3(RYR2):c.8332T>C (p.Ser2778Pro)

Gene: RYR2 (ryanodine receptor 2; plus strand). Cytogenetic location: 1q43.
Variant type: single nucleotide variant.
Coding change: c.8332T>C on transcript NM_001035.3 (MANE Select); coding-DNA position 8332, T replaced by C.
Protein change: p.Ser2778Pro; replaces serine 2778 with proline.
Molecular consequence: missense variant.
Genome position (GRCh38, 1-based): chr1:237,660,843, T>C. VCF-style: chr1-237660843-T-C. GRCh37 (hg19) VCF-style: chr1-237824143-T-C.
Other names: c.8332T>C, p.Ser2778Pro (LRG_402t1); short protein forms S2778P.
Identifiers: ClinVar variation 659162 (VCV000659162.17), dbSNP rs1573391679, ClinGen allele CA345401801.

ClinVar aggregate classification (germline): Uncertain significance. Review status: criteria provided, multiple submitters, no conflicts (2 of 4 stars). 5 submissions from 4 submitters: Uncertain significance (5). Last evaluated 2025-01-20.

Conditions:
Catecholaminergic polymorphic ventricular tachycardia 1. Also called: RYR2-Related Catecholaminergic Polymorphic Ventricular Tachycardia; VENTRICULAR TACHYCARDIA, CATECHOLAMINERGIC POLYMORPHIC, 1, WITH OR WITHOUT ATRIAL DYSFUNCTION AND/OR DILATED CARDIOMYOPATHY; VENTRICULAR TACHYCARDIA, STRESS-INDUCED POLYMORPHIC 1. Identifiers: Orphanet 3286, MedGen C1631597, MONDO:0011484, OMIM 604772.
Catecholaminergic polymorphic ventricular tachycardia (CVPT). Also called: Catecholamine-induced polymorphic ventricular tachycardia. Identifiers: Orphanet 3286, MedGen C5574922, MONDO:0017990.
Cardiovascular phenotype. Identifiers: MedGen CN230736.
Arrhythmogenic right ventricular dysplasia 2. Identifiers: MedGen C1832931.

Allele frequency attached by ClinVar (database versions not stated): gnomAD exomes 0.00001.
gnomAD v4.1: 21 of 1,547,312 alleles (0.0014%); highest among the groups gnomAD compares: Non-Finnish European, 0.0017%; no homozygotes.

Submissions (5):

Ambry Genetics
Classification: Uncertain significance for Cardiovascular phenotype. Last evaluated: 2025-01-20. Review status: criteria provided, single submitter. Criteria: Ambry Variant Classification Scheme 2023. Collection method: clinical testing. Allele origin: germline.
Comment: The p.S2778P variant (also known as c.8332T>C), located in coding exon 56 of the RYR2 gene, results from a T to C substitution at nucleotide position 8332. The serine at codon 2778 is replaced by proline, an amino acid with similar properties. This amino acid position is highly conserved in available vertebrate species. In addition, the in silico prediction for this alteration is inconclusive. Based on the available evidence, the clinical significance of this variant remains unclear.

Labcorp Genetics (formerly Invitae), Labcorp
Classification: Uncertain significance for Catecholaminergic polymorphic ventricular tachycardia 1. Last evaluated: 2024-09-14. Review status: criteria provided, single submitter. Criteria: Invitae Variant Classification Sherloc (09022015). Collection method: clinical testing. Allele origin: germline.
Comment: This sequence change replaces serine, which is neutral and polar, with proline, which is neutral and non-polar, at codon 2778 of the RYR2 protein (p.Ser2778Pro). This variant is not present in population databases (gnomAD no frequency). This variant has not been reported in the literature in individuals affected with RYR2-related conditions. ClinVar contains an entry for this variant (Variation ID: 659162). Invitae Evidence Modeling of protein sequence and biophysical properties (such as structural, functional, and spatial information, amino acid conservation, physicochemical variation, residue mobility, and thermodynamic stability) has been performed for this missense variant. However, the output from this modeling did not meet the statistical confidence thresholds required to predict the impact of this variant on RYR2 protein function. In summary, the available evidence is currently insufficient to determine the role of this variant in disease. Therefore, it has been classified as a Variant of Uncertain Significance.

All of Us Research Program, National Institutes of Health
Classification: Uncertain significance for Catecholaminergic polymorphic ventricular tachycardia. Last evaluated: 2023-10-02. Review status: criteria provided, single submitter. Criteria: ACMG Guidelines, 2015. Collection method: clinical testing. Allele origin: germline. Inheritance: Autosomal dominant inheritance. Observed: 1 variant allele, 1 heterozygote.
Comment: This missense variant replaces serine with proline at codon 2778 of the RYR2 protein. Computational prediction suggests that this variant may have deleterious impact on protein structure and function (internally defined REVEL score threshold >= 0.7, PMID: 27666373). To our knowledge, functional studies have not been reported for this variant. This variant has not been reported in individuals affected with RYR2-related disorders in the literature. This variant has not been identified in the general population by the Genome Aggregation Database (gnomAD). The available evidence is insufficient to determine the role of this variant in disease conclusively. Therefore, this variant is classified as a Variant of Uncertain Significance.

This study involves interpretation of variants in research participants for the purpose of population health screening. Participant phenotype was not available at the time of variant classification. Additional details can be found in publication PMID: 35346344, PMCID: PMC8962531

Illumina Laboratory Services, Illumina
Classification: Uncertain significance for Catecholaminergic polymorphic ventricular tachycardia 1. Last evaluated: 2018-01-15. Review status: criteria provided, single submitter. Criteria: ICSL Variant Classification Criteria 13 December 2019. Collection method: clinical testing. Allele origin: germline.

Illumina Laboratory Services, Illumina
Classification: Uncertain significance for Catecholaminergic polymorphic ventricular tachycardia 1. Last evaluated: 2018-01-15. Review status: criteria provided, single submitter. Criteria: ICSL Variant Classification Criteria 13 December 2019. Collection method: clinical testing. Allele origin: germline.